The following is an entry in ClinVar:

NM_000512.5(GALNS):c.303C>T (p.Asn101=)

Gene: GALNS (galactosamine (N-acetyl)-6-sulfatase; minus strand). Cytogenetic location: 16q24.3.
Variant type: single nucleotide variant.
Coding change: c.303C>T on transcript NM_000512.5 (MANE Select); coding-DNA position 303, C replaced by T.
Protein change: p.Asn101=; no amino-acid change (asparagine 101 retained).
Molecular consequence: synonymous variant. On other transcripts: 5 prime UTR variant (1).
Genome position (GRCh38, 1-based): chr16:88,841,913, G>A on the plus strand (C>T on the coding strand, the complement: GALNS is on the minus strand). VCF-style: chr16-88841913-G-A. GRCh37 (hg19) VCF-style: chr16-88908321-G-A.
Other names: p.Asn101=; c.-253C>T (NM_001323543.2); c.321C>T, p.Asn107= (NM_001323544.2).
Identifiers: ClinVar variation 721679 (VCV000721679.18), dbSNP rs79146426, ClinGen allele CA8235220.

ClinVar aggregate classification (germline): Conflicting classifications of pathogenicity. Review status: criteria provided, conflicting classifications (1 of 4 stars). 5 submissions from 5 submitters: Uncertain significance (1); Benign (1); Likely benign (3). Last evaluated 2026-02-01.

Conditions:
Mucopolysaccharidosis, MPS-IV-A (MPS4A). Also called: MPS IVA; MORQUIO SYNDROME A; Morquio syndrome A, mild; Mucopolysaccharidosis Type IVA; GALACTOSAMINE-6-SULFATASE DEFICIENCY; GALNS DEFICIENCY. Identifiers: Orphanet 309297, Orphanet 582, MedGen C0086651, MONDO:0009659, OMIM 253000.

Allele frequency attached by ClinVar (database versions not stated): TOPMed 0.00082; gnomAD 0.00092; ESP Exome Variant Server 0.00100; 1000 Genomes Project 0.00120; 1000 Genomes Project 30x 0.00141.
gnomAD v4.1: 244 of 1,613,352 alleles (0.015%); highest among the groups gnomAD compares: African/African-American, 0.27%; no homozygotes.

Submissions (5):

Labcorp Genetics (formerly Invitae), Labcorp
Classification: Benign for Mucopolysaccharidosis, MPS-IV-A. Last evaluated: 2026-02-01. Review status: criteria provided, single submitter. Criteria: Invitae Variant Classification Sherloc (09022015). Collection method: clinical testing. Allele origin: germline.

Mayo Clinic Laboratories, Mayo Clinic
Classification: Likely benign. Last evaluated: 2025-09-04. Review status: criteria provided, single submitter. Criteria: ACMG Guidelines, 2015. Collection method: clinical testing. Allele origin: germline. Observed: 1 variant allele.
Comment: BS1, BP4

Blueprint Genetics
Classification: Likely benign. Last evaluated: 2024-10-09. Review status: criteria provided, single submitter. Criteria: ACMG Guidelines, 2015. Collection method: clinical testing. Allele origin: germline.

Genome-Nilou Lab
Classification: Likely benign for Mucopolysaccharidosis, MPS-IV-A. Last evaluated: 2021-11-07. Review status: criteria provided, single submitter. Criteria: ACMG Guidelines, 2015. Collection method: clinical testing. Allele origin: germline. Affected: no.

Illumina Laboratory Services, Illumina
Classification: Uncertain significance for Mucopolysaccharidosis, MPS-IV-A. Last evaluated: 2018-01-13. Review status: criteria provided, single submitter. Criteria: ICSL Variant Classification Criteria 13 December 2019. Collection method: clinical testing. Allele origin: germline.

Literature cited by the submitters: PubMed 24035930 (cited by Mayo Clinic Laboratories, Mayo Clinic).